The following is an entry in ClinVar:

NM_018136.5(ASPM):c.5244G>A (p.Met1748Ile)

Gene: ASPM (assembly factor for spindle microtubules; minus strand). Cytogenetic location: 1q31.3.
Variant type: single nucleotide variant.
Coding change: c.5244G>A on transcript NM_018136.5 (MANE Select); coding-DNA position 5244, G replaced by A.
Protein change: p.Met1748Ile; replaces methionine 1748 with isoleucine.
Molecular consequence: missense variant. On other transcripts: intron variant (1).
Genome position (GRCh38, 1-based): chr1:197,104,007, C>T on the plus strand (G>A on the coding strand, the complement: ASPM is on the minus strand). VCF-style: chr1-197104007-C-T. GRCh37 (hg19) VCF-style: chr1-197073137-C-T.
Other names: c.4066-7843G>A (NM_001206846.2); short protein forms M1748I.
Identifiers: ClinVar variation 1363068 (VCV001363068.6), dbSNP rs758202345, ClinGen allele CA1309791.

ClinVar aggregate classification (germline): Uncertain significance. Review status: criteria provided, multiple submitters, no conflicts (2 of 4 stars). 2 submissions from 2 submitters: Uncertain significance (2). Last evaluated 2025-11-06.

Allele frequency attached by ClinVar (database versions not stated): ExAC 0.00001; gnomAD 0.00001; gnomAD exomes 0.00001; TOPMed 0.00001.

Submissions (2):

Greenwood Genetic Center Diagnostic Laboratories, Greenwood Genetic Center
Classification: Uncertain significance. Last evaluated: 2025-11-06. Review status: criteria provided, single submitter. Criteria: ACMG Guidelines, 2015. Collection method: clinical testing. Allele origin: germline. Affected: yes.
Comment: PM2, BP4

Labcorp Genetics (formerly Invitae), Labcorp
Classification: Uncertain significance. Last evaluated: 2021-08-31. Review status: criteria provided, single submitter. Criteria: Invitae Variant Classification Sherloc (09022015). Collection method: clinical testing. Allele origin: germline.
Comment: This sequence change replaces methionine with isoleucine at codon 1748 of the ASPM protein (p.Met1748Ile). The methionine residue is weakly conserved and there is a small physicochemical difference between methionine and isoleucine. This variant is present in population databases (rs758202345, ExAC 0.002%). This variant has not been reported in the literature in individuals affected with ASPM-related conditions. Algorithms developed to predict the effect of missense changes on protein structure and function output the following: SIFT: "Tolerated"; PolyPhen-2: "Benign"; Align-GVGD: "Class C0". The isoleucine amino acid residue is found in multiple mammalian species, which suggests that this missense change does not adversely affect protein function. In summary, the available evidence is currently insufficient to determine the role of this variant in disease. Therefore, it has been classified as a Variant of Uncertain Significance.